The following is an entry in ClinVar:

NM_021167.5(GATAD1):c.300C>G (p.Tyr100Ter)

Gene: GATAD1 (GATA zinc finger domain containing 1; plus strand). Cytogenetic location: 7q21.2.
Variant type: single nucleotide variant.
Coding change: c.300C>G on transcript NM_021167.5 (MANE Select); coding-DNA position 300, C replaced by G.
Protein change: p.Tyr100Ter; replaces tyrosine 100 with a stop codon.
Molecular consequence: nonsense. On other transcripts: non-coding transcript variant (1).
Genome position (GRCh38, 1-based): chr7:92,448,802, C>G. VCF-style: chr7-92448802-C-G. GRCh37 (hg19) VCF-style: chr7-92078116-C-G.
Other names: short protein forms Y100*.
Identifiers: ClinVar variation 3227580 (VCV003227580.1), dbSNP rs2484519460, ClinGen allele CA368156747.

ClinVar aggregate classification (germline): Uncertain significance (1 of 4 stars; one submission).

Conditions:
Cardiovascular phenotype. Identifiers: MedGen CN230736.

Submission:

Ambry Genetics
Classification: Uncertain significance for Cardiovascular phenotype. Last evaluated: 2023-10-10. Review status: criteria provided, single submitter. Criteria: Ambry Variant Classification Scheme 2023. Collection method: clinical testing. Allele origin: germline.
Comment: The p.Y100* variant (also known as c.300C>G), located in coding exon 2 of the GATAD1 gene, results from a C to G substitution at nucleotide position 300. This changes the amino acid from a tyrosine to a stop codon within coding exon 2. This alteration is expected to result in loss of function by premature protein truncation or nonsense-mediated mRNA decay. However, the evidence for this gene-disease relationship is limited; therefore, the clinical significance of this alteration is unclear.